The following is an entry in ClinVar:

ClinVar aggregate classification (germline): Benign (1 of 4 stars; one submission).

Allele frequency attached by ClinVar (database versions not stated): gnomAD 0.24099 and 0.24517; TOPMed 0.25602; 1000 Genomes Project 30x 0.30075; 1000 Genomes Project 0.30851.
gnomAD v4.1: 37,219 of 152,114 alleles (24%); highest among the groups gnomAD compares: East Asian, 55%; 4,961 homozygotes.

Submission:

GeneDx
Classification: Benign. Last evaluated: 2018-06-14. Review status: criteria provided, single submitter. Criteria: GeneDx Variant Classification (06012015). Collection method: clinical testing. Allele origin: germline. Affected: yes.
Comment: This variant is considered likely benign or benign based on one or more of the following criteria: it is a conservative change, it occurs at a poorly conserved position in the protein, it is predicted to be benign by multiple in silico algorithms, and/or has population frequency not consistent with disease.

NM_014049.5(ACAD9):c.1359-193G>A

Gene: ACAD9 (acyl-CoA dehydrogenase family member 9; plus strand). Cytogenetic location: 3q21.3.
Variant type: single nucleotide variant.
Coding change: c.1359-193G>A on transcript NM_014049.5 (MANE Select); 193 bases into the intron before coding-DNA position 1359, G replaced by A.
Molecular consequence: intron variant.
Genome position (GRCh38, 1-based): chr3:128,908,780, G>A. VCF-style: chr3-128908780-G-A. GRCh37 (hg19) VCF-style: chr3-128627623-G-A.
Identifiers: ClinVar variation 677925 (VCV000677925.1), dbSNP rs876756, ClinGen allele CA15243023.